The following is an entry in ClinVar:

ClinVar aggregate classification (germline): Uncertain significance (1 of 4 stars; one submission).

Allele frequency attached by ClinVar (database versions not stated): gnomAD exomes below 0.00001.

Submission:

Labcorp Genetics (formerly Invitae), Labcorp
Classification: Uncertain significance. Last evaluated: 2024-01-06. Review status: criteria provided, single submitter. Criteria: Invitae Variant Classification Sherloc (09022015). Collection method: clinical testing. Allele origin: germline.
Comment: This sequence change replaces alanine, which is neutral and non-polar, with threonine, which is neutral and polar, at codon 32 of the PYCR1 protein (p.Ala32Thr). This variant is not present in population databases (gnomAD no frequency). This variant has not been reported in the literature in individuals affected with PYCR1-related conditions. ClinVar contains an entry for this variant (Variation ID: 1361218). Advanced modeling of protein sequence and biophysical properties (such as structural, functional, and spatial information, amino acid conservation, physicochemical variation, residue mobility, and thermodynamic stability) performed at Invitae indicates that this missense variant is not expected to disrupt PYCR1 protein function with a negative predictive value of 80%. In summary, the available evidence is currently insufficient to determine the role of this variant in disease. Therefore, it has been classified as a Variant of Uncertain Significance.

NM_006907.4(PYCR1):c.94G>A (p.Ala32Thr)

Gene: PYCR1 (pyrroline-5-carboxylate reductase 1; minus strand). Cytogenetic location: 17q25.3.
Variant type: single nucleotide variant.
Coding change: c.94G>A on transcript NM_006907.4 (MANE Select); coding-DNA position 94, G replaced by A.
Protein change: p.Ala32Thr; replaces alanine 32 with threonine.
Molecular consequence: missense variant.
Genome position (GRCh38, 1-based): chr17:81,936,167, C>T on the plus strand (G>A on the coding strand, the complement: PYCR1 is on the minus strand). VCF-style: chr17-81936167-C-T. GRCh37 (hg19) VCF-style: chr17-79894043-C-T.
Other names: c.94G>A, p.Ala32Thr (NM_001282279.2, NM_001282280.2, NM_001330523.2 and 1 more transcripts); c.175G>A, p.Ala59Thr (NM_001282281.2); short protein forms A32T, A59T.
Identifiers: ClinVar variation 1361218 (VCV001361218.8), dbSNP rs2143895669, ClinGen allele CA401540425.